The following is an entry in ClinVar:

ClinVar aggregate classification (germline): Uncertain significance (1 of 4 stars; one submission).

Submission:

Labcorp Genetics (formerly Invitae), Labcorp
Classification: Uncertain significance. Last evaluated: 2023-06-09. Review status: criteria provided, single submitter. Criteria: Invitae Variant Classification Sherloc (09022015). Collection method: clinical testing. Allele origin: germline.
Comment: This variant has not been reported in the literature in individuals affected with ARIH1-related conditions. An algorithm developed to predict the effect of missense changes on protein structure and function (PolyPhen-2) suggests that this variant is likely to be tolerated. In summary, the available evidence is currently insufficient to determine the role of this variant in disease. Therefore, it has been classified as a Variant of Uncertain Significance. This variant is not present in population databases (gnomAD no frequency). This sequence change replaces asparagine, which is neutral and polar, with threonine, which is neutral and polar, at codon 195 of the ARIH1 protein (p.Asn195Thr).

NM_005744.5(ARIH1):c.584A>C (p.Asn195Thr)

Gene: ARIH1 (ariadne RBR E3 ubiquitin protein ligase 1; plus strand). Cytogenetic location: 15q24.1.
Variant type: single nucleotide variant.
Coding change: c.584A>C on transcript NM_005744.5 (MANE Select); coding-DNA position 584, A replaced by C.
Protein change: p.Asn195Thr; replaces asparagine 195 with threonine.
Molecular consequence: missense variant.
Genome position (GRCh38, 1-based): chr15:72,544,960, A>C. VCF-style: chr15-72544960-A-C. GRCh37 (hg19) VCF-style: chr15-72837301-A-C.
Other names: short protein forms N195T.
Identifiers: ClinVar variation 2779257 (VCV002779257.3), dbSNP rs2542743609, ClinGen allele CA393236254.